The following is an entry in ClinVar:

NM_007294.4(BRCA1):c.4358-31A>C

Gene: BRCA1 (BRCA1 DNA repair associated; minus strand). Cytogenetic location: 17q21.31.
Variant type: single nucleotide variant.
Coding change: c.4358-31A>C on transcript NM_007294.4 (MANE Select); 31 bases into the intron before coding-DNA position 4358, A replaced by C.
Molecular consequence: intron variant.
Genome position (GRCh38, 1-based): chr17:43,076,645, T>G on the plus strand (A>C on the coding strand, the complement: BRCA1 is on the minus strand). VCF-style: chr17-43076645-T-G. GRCh37 (hg19) VCF-style: chr17-41228662-T-G.
Other names: c.923-34A>C (NM_001408450.1, NM_001408446.1, NM_001408448.1 and 2 more transcripts); c.4232-31A>C (NM_001407672.1, NM_001407940.1, NM_001407671.1 and 5 more transcripts); c.923-31A>C (NM_001408434.1, NM_001408435.1, NM_001408444.1 and 5 more transcripts); c.1046-34A>C (NM_001408398.1, NM_001408397.1, NM_001408396.1 and 5 more transcripts); c.1046-31A>C (NM_001407992.1, NM_001407980.1, NM_001407985.1 and 9 more transcripts); c.908-34A>C (NM_001408458.1, NM_001408461.1, NM_001408459.1 and 1 more transcripts); c.3470-34A>C (NM_001407967.1); c.3977-31A>C (NM_001407959.1); and 98 more.
Identifiers: ClinVar variation 3261447 (VCV003261447.4).

ClinVar aggregate classification (germline): Uncertain significance. Review status: criteria provided, multiple submitters, no conflicts (2 of 4 stars). 2 submissions from 2 submitters: Uncertain significance (2). Last evaluated 2025-03-27.

Conditions:
Hereditary breast ovarian cancer syndrome. Also called: Hereditary breast and ovarian cancer; Hereditary breast and ovarian cancer syndrome (HBOC); BRCA1- and BRCA2-Associated Hereditary Breast and Ovarian Cancer; Hereditary breast and ovarian cancer syndrome; Hereditary breast and/or ovarian cancer syndrome; Breast and ovarian cancer. Identifiers: Orphanet 145, MedGen C0677776, MeSH D061325, MONDO:0003582. Disease mechanism: loss of function.
Hereditary cancer-predisposing syndrome. Also called: Hereditary Cancer Syndrome; Tumor predisposition; Hereditary neoplastic syndrome; Neoplastic Syndromes, Hereditary. Identifiers: Orphanet 140162, MedGen C0027672, MeSH D009386, MONDO:0015356.

gnomAD v4.1: 2 of 1,608,944 alleles (0.00012%); highest among the groups gnomAD compares: Non-Finnish European, 0.00017%; no homozygotes.

Submissions (2):

Ambry Genetics
Classification: Uncertain significance for Hereditary cancer-predisposing syndrome. Last evaluated: 2025-03-27. Review status: criteria provided, single submitter. Criteria: Ambry Variant Classification Scheme 2023. Collection method: clinical testing. Allele origin: germline.
Comment: The c.4358-31A>C intronic variant results from an A to C substitution 31 nucleotides upstream from coding exon 12 in the BRCA1 gene. This nucleotide position is highly conserved in available vertebrate species. This variant has been observed in an individual with breast cancer (Bozsik A et al. Cancer Res Treat, 2022 Oct;54:970-984). In silico splice site analysis predicts that this alteration may weaken the native splice acceptor site. RNA studies have demonstrated that this alteration results in a splice defect; the clinical impact of this abnormal splicing is unknown at this time (Ambry internal data, Bozsik A et al. Cancer Res Treat, 2022 Oct;54:970-984). Based on the available evidence, the clinical significance of this alteration remains unclear.

Labcorp Genetics (formerly Invitae), Labcorp
Classification: Uncertain significance for Hereditary breast ovarian cancer syndrome. Last evaluated: 2024-09-03. Review status: criteria provided, single submitter. Criteria: Invitae Variant Classification Sherloc (09022015). Collection method: clinical testing. Allele origin: germline.
Comment: This sequence change falls in intron 12 of the BRCA1 gene. It does not directly change the encoded amino acid sequence of the BRCA1 protein. This variant is present in population databases (rs764503776, gnomAD 0.0009%). This variant has been observed in individual(s) with breast cancer (PMID: 35167739). Studies have shown that this variant is associated with inconclusive levels of altered splicing (PMID: 35167739). In summary, the available evidence is currently insufficient to determine the role of this variant in disease. Therefore, it has been classified as a Variant of Uncertain Significance.

Literature cited by the submitters: PubMed 35167739 (cited by Ambry Genetics and Labcorp Genetics (formerly Invitae), Labcorp).